The following is an entry in ClinVar:

ClinVar aggregate classification (germline): Likely benign. Review status: criteria provided, multiple submitters, no conflicts (2 of 4 stars). 3 submissions from 3 submitters: Likely benign (3). Last evaluated 2026-01-24.

Conditions:
Cardiovascular phenotype. Identifiers: MedGen CN230736.

Allele frequency attached by ClinVar (database versions not stated): gnomAD 0.00002; TOPMed 0.00002; 1000 Genomes Project 0.00040; 1000 Genomes Project 30x 0.00047.
gnomAD v4.1: 28 of 1,418,786 alleles (0.002%); highest among the groups gnomAD compares: African/African-American, 0.026%; 1 homozygote.

Submissions (3):

Labcorp Genetics (formerly Invitae), Labcorp
Classification: Likely benign. Last evaluated: 2026-01-24. Review status: criteria provided, single submitter. Criteria: Invitae Variant Classification Sherloc (09022015). Collection method: clinical testing. Allele origin: germline.

Ambry Genetics
Classification: Likely benign for Cardiovascular phenotype. Last evaluated: 2023-12-11. Review status: criteria provided, single submitter. Criteria: Ambry Variant Classification Scheme 2023. Collection method: clinical testing. Allele origin: germline.

CeGaT Center for Human Genetics Tuebingen
Classification: Likely benign. Last evaluated: 2022-09-01. Review status: criteria provided, single submitter. Criteria: CeGaT Center For Human Genetics Tuebingen Variant Classification Criteria Version 2. Collection method: clinical testing. Allele origin: germline. Affected: yes. Observed: 1 variant allele.
Comment: ZNF469: BP4, BP7

NM_001367624.2(ZNF469):c.3027G>A (p.Ala1009=)

Gene: ZNF469 (zinc finger protein 469; plus strand). Cytogenetic location: 16q24.2.
Variant type: single nucleotide variant.
Coding change: c.3027G>A on transcript NM_001367624.2 (MANE Select); coding-DNA position 3027, G replaced by A.
Protein change: p.Ala1009=; no amino-acid change (alanine 1009 retained).
Molecular consequence: synonymous variant.
Genome position (GRCh38, 1-based): chr16:88,430,497, G>A. VCF-style: chr16-88430497-G-A. GRCh37 (hg19) VCF-style: chr16-88496905-G-A.
Other names: NM_001127464.1:c.3027G>A.
Identifiers: ClinVar variation 1605171 (VCV001605171.33), dbSNP rs186499941, ClinGen allele CA286374370.
Genomic context (GRCh38, chr16:88,430,497, plus strand): 5'-GCCCCCACCCCGTCCCCGGCGCCCTAGAACGCAGGCCCCCGGGAGCCGCGCAGACCCCGC[G>A]CCCCGGGTCCCGAGAGCCGCCGCCCTCCCCGAGGAGACCCGCAGCTCCCGGCGCCGCCGG-3'
Protein context (NP_001354553.1, residues 999-1019): TQAPGSRADP[Ala1009=]PRVPRAAALP